The following is an entry in ClinVar:

NM_014053.4(FLVCR1):c.1561_1564del (p.Ile520_Asn521insTer)

Gene: FLVCR1 (FLVCR choline and heme transporter 1; plus strand). Cytogenetic location: 1q32.3.
Variant type: Deletion.
Coding change: c.1561_1564del on transcript NM_014053.4 (MANE Select); coding-DNA positions 1561 to 1564, 4 bases deleted (AATA; older notation c.1561_1564delAATA).
Protein change: p.Ile520_Asn521insTer.
Molecular consequence: nonsense.
Genome position (GRCh38, 1-based): chr1:212,895,021-212,895,024, AATA deleted; deleting any 4 consecutive bases within chr1:212,895,018-212,895,024 gives the same sequence; the c. name uses the placement nearest the transcript's 3' end. VCF-style (leftmost placement, unchanged base first): chr1-212895017-CATAA-C. GRCh37 (hg19) VCF-style: chr1-213068359-CATAA-C.
Identifiers: ClinVar variation 804811 (VCV000804811.1), dbSNP rs1572031494, ClinGen allele CA915942005.

ClinVar aggregate classification (germline): Likely pathogenic (1 of 4 stars; one submission).

Submission:

Athena Diagnostics
Classification: Likely pathogenic. Last evaluated: 2019-04-18. Review status: criteria provided, single submitter. Criteria: Athena Diagnostics Criteria. Collection method: clinical testing. Allele origin: germline.
Comment: The variant creates a premature nonsense codon, and is therefore predicted to result in the loss of a functional protein. Not found in the total gnomAD dataset, and the data is high quality (0/282272 chr).